The following is an entry in ClinVar:

ClinVar aggregate classification (germline): Conflicting classifications of pathogenicity. Review status: criteria provided, conflicting classifications (1 of 4 stars). 2 submissions from 2 submitters: Uncertain significance (1); Likely benign (1). Last evaluated 2022-08-16.

Conditions:
Cardiovascular phenotype. Identifiers: MedGen CN230736.
Naxos disease (NXD). Also called: KERATOSIS PALMOPLANTARIS WITH ARRHYTHMOGENIC CARDIOMYOPATHY; MAL DE NAXOS; PALMOPLANTAR KERATODERMA WITH ARRHYTHMOGENIC RIGHT VENTRICULAR CARDIOMYOPATHY AND WOOLLY HAIR; WOOLLY HAIR, PALMOPLANTAR KERATODERMA, AND CARDIAC ABNORMALITIES; CARDIOMYOPATHY, ARRHYTHMOGENIC RIGHT VENTRICULAR, WITH SKIN, HAIR, AND NAIL ABNORMALITIES. Identifiers: Orphanet 34217, MedGen C1832600, MONDO:0011017, OMIM 601214.
Arrhythmogenic right ventricular dysplasia 12. Also called: ARRHYTHMOGENIC RIGHT VENTRICULAR DYSPLASIA, FAMILIAL, 12. Identifiers: MedGen C1969081, MONDO:0012684, OMIM 611528.

Allele frequency attached by ClinVar (database versions not stated): gnomAD 0.00001.

Submissions (2):

Ambry Genetics
Classification: Likely benign for Cardiovascular phenotype. Last evaluated: 2022-08-16. Review status: criteria provided, single submitter. Criteria: Ambry Variant Classification Scheme 2023. Collection method: clinical testing. Allele origin: germline.

Labcorp Genetics (formerly Invitae), Labcorp
Classification: Uncertain significance for Arrhythmogenic right ventricular cardiomyopathy, type 12; Naxos disease. Last evaluated: 2018-10-31. Review status: criteria provided, single submitter. Criteria: Invitae Variant Classification Sherloc (09022015). Collection method: clinical testing. Allele origin: germline.
Comment: This sequence change replaces glycine with serine at codon 310 of the JUP protein (p.Gly310Ser). The glycine residue is moderately conserved and there is a small physicochemical difference between glycine and serine. This variant is not present in population databases (ExAC no frequency). This variant has not been reported in the literature in individuals with JUP-related disease. Algorithms developed to predict the effect of missense changes on protein structure and function output the following: SIFT: "Tolerated"; PolyPhen-2: "Benign"; Align-GVGD: "Class C0". The serine amino acid residue is found in multiple mammalian species, suggesting that this missense change does not adversely affect protein function. These predictions have not been confirmed by published functional studies and their clinical significance is uncertain. Algorithms developed to predict the effect of sequence changes on RNA splicing suggest that this variant may create or strengthen a splice site, but this prediction has not been confirmed by published transcriptional studies. In summary, the available evidence is currently insufficient to determine the role of this variant in disease. Therefore, it has been classified as a Variant of Uncertain Significance.

NM_002230.4(JUP):c.928G>A (p.Gly310Ser)

Gene: JUP (junction plakoglobin; minus strand). Cytogenetic location: 17q21.2.
Variant type: single nucleotide variant.
Coding change: c.928G>A on transcript NM_002230.4 (MANE Select); coding-DNA position 928, G replaced by A.
Protein change: p.Gly310Ser; replaces glycine 310 with serine.
Molecular consequence: missense variant.
Genome position (GRCh38, 1-based): chr17:41,765,049, C>T on the plus strand (G>A on the coding strand, the complement: JUP is on the minus strand). VCF-style: chr17-41765049-C-T. GRCh37 (hg19) VCF-style: chr17-39921301-C-T.
Other names: c.928G>A, p.Gly310Ser (NM_001352773.2, NM_001352774.2, NM_001352775.2 and 3 more transcripts); short protein forms G310S.
Identifiers: ClinVar variation 652325 (VCV000652325.3), dbSNP rs1597808505, ClinGen allele CA399499594.